The following is an entry in ClinVar:

NM_000179.3(MSH6):c.2128A>G (p.Ile710Val)

Gene: MSH6 (mutS homolog 6; plus strand). Cytogenetic location: 2p16.3.
Variant type: single nucleotide variant.
Coding change: c.2128A>G on transcript NM_000179.3 (MANE Select); coding-DNA position 2128, A replaced by G.
Protein change: p.Ile710Val; replaces isoleucine 710 with valine.
Molecular consequence: missense variant.
Genome position (GRCh38, 1-based): chr2:47,800,111, A>G. VCF-style: chr2-47800111-A-G. GRCh37 (hg19) VCF-style: chr2-48027250-A-G.
Other names: c.1738A>G, p.Ile580Val (NM_001281492.2); c.1222A>G, p.Ile408Val (NM_001281493.2, NM_001281494.2); short protein forms I580V, I710V, I408V.
Identifiers: ClinVar variation 943998 (VCV000943998.15), dbSNP rs1669423758, ClinGen allele CA346751020.
Genomic context (GRCh38, chr2:47,800,111, plus strand): 5'-TACCTCAAAAAATGCCTTATTGATCAGGAGCTTTTATCAATGGCTAATTTTGAAGAATAT[A>G]TTCCCTTGGATTCTGACACAGTCAGCACTACAAGATCTGGTGCTATCTTCACCAAAGCCT-3'
Protein context (NP_000170.1, residues 700-720): LLSMANFEEY[Ile710Val]PLDSDTVSTT

ClinVar aggregate classification (germline): Conflicting classifications of pathogenicity. Review status: criteria provided, conflicting classifications (1 of 4 stars). 5 submissions from 5 submitters: Uncertain significance (3); Likely benign (2). Last evaluated 2026-08-24.

Conditions:
Hereditary nonpolyposis colorectal neoplasms. Identifiers: MedGen C0009405, MeSH D003123.
Endometrial carcinoma. Also called: Endometrial carcinoma, somatic. Identifiers: MedGen C0476089, MONDO:0002447, OMIM 608089, HP:0012114.
Mismatch repair cancer syndrome 3. Identifiers: MedGen C5436807, MONDO:0030841, OMIM 619097.
Lynch syndrome 5 (LYNCH5). Also called: Hereditary non-polyposis colorectal cancer, type 5; Colorectal cancer, hereditary nonpolyposis, type 5. Identifiers: Orphanet 144, MedGen C1833477, MONDO:0013710, OMIM 614350. Disease mechanism: loss of function.
Hereditary cancer-predisposing syndrome. Also called: Neoplastic Syndromes, Hereditary; Hereditary Cancer Syndrome; Tumor predisposition; Hereditary neoplastic syndrome. Identifiers: Orphanet 140162, MedGen C0027672, MeSH D009386, MONDO:0015356.

Submissions (5):

Ambry Genetics
Classification: Likely benign for Hereditary cancer-predisposing syndrome. Last evaluated: 2026-08-24. Review status: criteria provided, single submitter. Criteria: Ambry Variant Classification Scheme 2023. Collection method: clinical testing. Allele origin: germline.

Quest Diagnostics Nichols Institute San Juan Capistrano
Classification: Uncertain significance. Last evaluated: 2025-02-14. Review status: criteria provided, single submitter. Criteria: Quest Diagnostics criteria. Collection method: clinical testing. Allele origin: unknown.
Comment: The MSH6 c.2128A>G (p.Ile710Val) variant has not been reported in individuals with MSH6-related conditions in the published literature. It also has not been reported in large, multi-ethnic general populations (Genome Aggregation Database). Analysis of this variant using bioinformatics tools for the prediction of the effect of amino acid changes on protein structure and function yielded predictions that this variant is benign. Based on the available information, we are unable to determine the clinical significance of this variant.

Fulgent Genetics
Classification: Uncertain significance for Endometrial carcinoma; Lynch syndrome 5; Mismatch repair cancer syndrome 3. Last evaluated: 2024-05-22. Review status: criteria provided, single submitter. Criteria: ACMG Guidelines, 2015. Collection method: clinical testing. Allele origin: germline.

Blueprint Genetics
Classification: Likely benign. Last evaluated: 2022-11-18. Review status: criteria provided, single submitter. Criteria: ACMG Guidelines, 2015. Collection method: clinical testing. Allele origin: germline.

Labcorp Genetics (formerly Invitae), Labcorp
Classification: Uncertain significance for Hereditary nonpolyposis colorectal neoplasms. Last evaluated: 2022-10-05. Review status: criteria provided, single submitter. Criteria: Invitae Variant Classification Sherloc (09022015). Collection method: clinical testing. Allele origin: germline.
Comment: This sequence change replaces isoleucine, which is neutral and non-polar, with valine, which is neutral and non-polar, at codon 710 of the MSH6 protein (p.Ile710Val). This variant is not present in population databases (gnomAD no frequency). This variant has not been reported in the literature in individuals affected with MSH6-related conditions. ClinVar contains an entry for this variant (Variation ID: 943998). Advanced modeling of protein sequence and biophysical properties (such as structural, functional, and spatial information, amino acid conservation, physicochemical variation, residue mobility, and thermodynamic stability) performed at Invitae indicates that this missense variant is not expected to disrupt MSH6 protein function. In summary, the available evidence is currently insufficient to determine the role of this variant in disease. Therefore, it has been classified as a Variant of Uncertain Significance.